The following is an entry in ClinVar:

ClinVar aggregate classification (germline): Uncertain significance (1 of 4 stars; one submission).

Conditions:
Hereditary cancer-predisposing syndrome. Also called: Neoplastic Syndromes, Hereditary; Tumor predisposition; Hereditary Cancer Syndrome; Hereditary neoplastic syndrome. Identifiers: Orphanet 140162, MedGen C0027672, MeSH D009386, MONDO:0015356.

Submission:

Ambry Genetics
Classification: Uncertain significance for Hereditary cancer-predisposing syndrome. Last evaluated: 2026-03-17. Review status: criteria provided, single submitter. Criteria: Ambry Variant Classification Scheme 2023. Collection method: clinical testing. Allele origin: germline.
Comment: The p.K1001T variant (also known as c.3002A>C), located in coding exon 4 of the MSH6 gene, results from an A to C substitution at nucleotide position 3002. The lysine at codon 1001 is replaced by threonine, an amino acid with similar properties. This amino acid position is conserved. In addition, this alteration is predicted to be deleterious by in silico analysis. Based on the available evidence, the clinical significance of this variant remains unclear.

NM_000179.3(MSH6):c.3002A>C (p.Lys1001Thr)

Gene: MSH6 (mutS homolog 6; plus strand). Cytogenetic location: 2p16.3.
Variant type: single nucleotide variant.
Coding change: c.3002A>C on transcript NM_000179.3 (MANE Select); coding-DNA position 3002, A replaced by C.
Protein change: p.Lys1001Thr; replaces lysine 1001 with threonine.
Molecular consequence: missense variant. On other transcripts: non-coding transcript variant (5), intron variant (2).
Genome position (GRCh38, 1-based): chr2:47,800,985, A>C. VCF-style: chr2-47800985-A-C. GRCh37 (hg19) VCF-style: chr2-48028124-A-C.
Other names: c.2705A>C, p.Lys902Thr (NM_001406819.1, NM_001406820.1, NM_001406821.1 and 10 more transcripts); c.2096A>C, p.Lys699Thr (NM_001406823.1, NM_001406829.1, NM_001281493.2 and 6 more transcripts); c.2834A>C, p.Lys945Thr (NM_001406826.1); c.947A>C, p.Lys316Thr (NM_001407362.1); c.2308+694A>C (NM_001406803.1); c.1606+1396A>C (NM_001406817.1); c.3002A>C, p.Lys1001Thr (NM_001406798.1, NM_001406800.1, NM_001406796.1 and 2 more transcripts); c.2477A>C, p.Lys826Thr (NM_001406799.1, NM_001406806.1, NM_001406807.1); and 4 more; short protein forms K1001T, K1003T, K1033T, K316T, K699T, K826T, K871T, K902T.
Identifiers: ClinVar variation 4860374 (VCV004860374.1).
Genomic context (GRCh38, chr2:47,800,985, plus strand): 5'-TTCCTGAGAATTTCACCACTCGCAATTTGCCAGAAGAATACGAGTTGAAATCTACCAAGA[A>C]GGGCTGTAAACGATACTGGACCAAAACTATTGAAAAGAAGTTGGCTAATCTCATAAATGC-3'
Protein context (NP_000170.1, residues 991-1011): PEEYELKSTK[Lys1001Thr]GCKRYWTKTI